The following is an entry in ClinVar:

ClinVar aggregate classification (germline): Uncertain significance. Review status: criteria provided, multiple submitters, no conflicts (2 of 4 stars). 2 submissions from 2 submitters: Uncertain significance (2). Last evaluated 2024-12-09.

Conditions:
Severe combined immunodeficiency due to DNA-PKcs deficiency. Also called: Immunodeficiency 26 with or without neurologic abnormalities; IMMUNODEFICIENCY 26 WITH NEUROLOGIC ABNORMALITIES. Identifiers: Orphanet 317425, MedGen C4014833, MONDO:0014423, OMIM 615966.

Allele frequency attached by ClinVar (database versions not stated): TOPMed 0.00001.
gnomAD v4.1: 9 of 1,590,548 alleles (0.00057%); highest among the groups gnomAD compares: South Asian, 0.0023%; no homozygotes.

Submissions (2):

Labcorp Genetics (formerly Invitae), Labcorp
Classification: Uncertain significance for Severe combined immunodeficiency due to DNA-PKcs deficiency. Last evaluated: 2024-12-09. Review status: criteria provided, single submitter. Criteria: Invitae Variant Classification Sherloc (09022015). Collection method: clinical testing. Allele origin: germline.
Comment: This sequence change replaces valine, which is neutral and non-polar, with isoleucine, which is neutral and non-polar, at codon 572 of the PRKDC protein (p.Val572Ile). The frequency data for this variant in the population databases is considered unreliable, as metrics indicate poor data quality at this position in the gnomAD database. This variant has not been reported in the literature in individuals affected with PRKDC-related conditions. ClinVar contains an entry for this variant (Variation ID: 1020445). Invitae Evidence Modeling of protein sequence and biophysical properties (such as structural, functional, and spatial information, amino acid conservation, physicochemical variation, residue mobility, and thermodynamic stability) indicates that this missense variant is not expected to disrupt PRKDC protein function with a negative predictive value of 80%. In summary, the available evidence is currently insufficient to determine the role of this variant in disease. Therefore, it has been classified as a Variant of Uncertain Significance.

Ambry Genetics
Classification: Uncertain significance. Last evaluated: 2022-01-26. Review status: criteria provided, single submitter. Criteria: Ambry Variant Classification Scheme 2023. Collection method: clinical testing. Allele origin: germline.
Comment: The p.V572I variant (also known as c.1714G>A), located in coding exon 16 of the PRKDC gene, results from a G to A substitution at nucleotide position 1714. The valine at codon 572 is replaced by isoleucine, an amino acid with highly similar properties. This amino acid position is conserved. In addition, this alteration is predicted to be tolerated by in silico analysis. Since supporting evidence is limited at this time, the clinical significance of this alteration remains unclear.

NM_006904.7(PRKDC):c.1714G>A (p.Val572Ile)

Gene: PRKDC (protein kinase, DNA-activated, catalytic subunit; minus strand). Cytogenetic location: 8q11.21.
Variant type: single nucleotide variant.
Coding change: c.1714G>A on transcript NM_006904.7 (MANE Select); coding-DNA position 1714, G replaced by A.
Protein change: p.Val572Ile; replaces valine 572 with isoleucine.
Molecular consequence: missense variant.
Genome position (GRCh38, 1-based): chr8:47,933,082, C>T on the plus strand (G>A on the coding strand, the complement: PRKDC is on the minus strand). VCF-style: chr8-47933082-C-T. GRCh37 (hg19) VCF-style: chr8-48845642-C-T.
Other names: c.1714G>A, p.Val572Ile (NM_001081640.2); short protein forms V572I.
Identifiers: ClinVar variation 1020445 (VCV001020445.7), dbSNP rs1184535587, ClinGen allele CA371165024.